The following is an entry in ClinVar:

ClinVar aggregate classification (germline): Benign/Likely benign. Review status: criteria provided, multiple submitters, no conflicts (2 of 4 stars). 7 submissions from 7 submitters: Benign (4); Likely benign (3). Last evaluated 2025-08-18.

Conditions:
Arthrogryposis, distal, type 1B. Identifiers: Orphanet 1146, MedGen C3280526, MONDO:0013698, OMIM 614335.

Allele frequency attached by ClinVar (database versions not stated): 1000 Genomes Project 0.00240; TOPMed 0.00420; 1000 Genomes Project 30x 0.00234; ExAC 0.00395; gnomAD exomes 0.00405; gnomAD 0.00428; ESP Exome Variant Server 0.00423.
gnomAD v4.1: 9,233 of 1,607,052 alleles (0.57%); highest among the groups gnomAD compares: Middle Eastern, 0.78%; 44 homozygotes.

Submissions (7):

Genomic Medicine Center of Excellence, King Faisal Specialist Hospital and Research Centre
Classification: Likely benign. Last evaluated: 2025-08-18. Review status: criteria provided, single submitter. Criteria: ACMG Guidelines, 2015. Collection method: clinical testing. Allele origin: germline.

ARUP Laboratories, Molecular Genetics and Genomics, ARUP Laboratories
Classification: Benign. Last evaluated: 2025-05-05. Review status: criteria provided, single submitter. Criteria: ARUP Molecular Germline Variant Investigation Process 2024. Collection method: clinical testing. Allele origin: germline.

Mayo Clinic Laboratories, Mayo Clinic
Classification: Benign. Last evaluated: 2025-05-02. Review status: criteria provided, single submitter. Criteria: ACMG Guidelines, 2015. Collection method: clinical testing. Allele origin: germline. Observed: 3 variant alleles.
Comment: BA1, BP4, BP7

Labcorp Genetics (formerly Invitae), Labcorp
Classification: Benign. Last evaluated: 2019-12-31. Review status: criteria provided, single submitter. Criteria: Invitae Variant Classification Sherloc (09022015). Collection method: clinical testing. Allele origin: germline.

Illumina Laboratory Services, Illumina
Classification: Benign for Arthrogryposis, distal, type 1B. Last evaluated: 2018-01-12. Review status: criteria provided, single submitter. Criteria: ICSL Variant Classification Criteria 13 December 2019. Collection method: clinical testing. Allele origin: germline.
Comment: This variant was observed in the ICSL laboratory as part of a predisposition screen in an ostensibly healthy population. It had not been previously curated by ICSL or reported in the Human Gene Mutation Database (HGMD: prior to June 1st, 2018), and was therefore a candidate for classification through an automated scoring system. Utilizing variant allele frequency, disease prevalence and penetrance estimates, and inheritance mode, an automated score was calculated to assess if this variant is too frequent to cause the disease. Based on the score and internal cut-off values, a variant classified as benign is not then subjected to further curation. The score for this variant resulted in a classification of benign for this disease.

Genetic Services Laboratory, University of Chicago
Classification: Likely benign. Last evaluated: 2015-05-04. Review status: criteria provided, single submitter. Criteria: ACMG Guidelines, 2015. Collection method: clinical testing. Allele origin: germline.

Breakthrough Genomics
Classification: Likely benign. Review status: criteria provided, single submitter. Criteria: ACMG Guidelines, 2015. Collection method: not provided. Allele origin: germline. Inheritance: Autosomal recessive inheritance. Affected: yes.

NM_002465.4(MYBPC1):c.608+9A>G

Gene: MYBPC1 (myosin binding protein C1; plus strand). Cytogenetic location: 12q23.2.
Variant type: single nucleotide variant.
Coding change: c.608+9A>G on transcript NM_002465.4 (MANE Select); 9 bases into the intron after coding-DNA position 608, A replaced by G.
Molecular consequence: intron variant.
Genome position (GRCh38, 1-based): chr12:101,634,614, A>G. VCF-style: chr12-101634614-A-G. GRCh37 (hg19) VCF-style: chr12-102028392-A-G.
Other names: p.?; c.608+9A>G (NM_206819.4, NM_001404675.1); c.533+9A>G (NM_001254718.3, NM_206820.4, NM_001254719.3 and 5 more transcripts); c.497+9A>G (NM_001254720.3); c.494+9A>G (NM_001254723.3); c.455+9A>G (NM_001254722.3, NM_001404680.1, NM_001404679.1 and 2 more transcripts).
Identifiers: ClinVar variation 211546 (VCV000211546.18), dbSNP rs183524782, ClinGen allele CA205845.